The following is an entry in ClinVar:

NM_002693.3(POLG):c.1024-38C>T

Gene: POLG (DNA polymerase gamma, catalytic subunit; minus strand). Cytogenetic location: 15q26.1.
Variant type: single nucleotide variant.
Coding change: c.1024-38C>T on transcript NM_002693.3 (MANE Select); 38 bases into the intron before coding-DNA position 1024, C replaced by T.
Molecular consequence: intron variant.
Genome position (GRCh38, 1-based): chr15:89,328,869, G>A on the plus strand (C>T on the coding strand, the complement: POLG is on the minus strand). VCF-style: chr15-89328869-G-A. GRCh37 (hg19) VCF-style: chr15-89872100-G-A.
Other names: c.1024-38C>T (NM_001126131.2).
Identifiers: ClinVar variation 619489 (VCV000619489.1), dbSNP rs138069091, ClinGen allele CA7724966.
Genomic context (GRCh38, chr15:89,328,869, plus strand): 5'-TCCAGCCAGTCCCAGGATGAGATCTGGGGAACCAGAGCAAGGGACATGGCAGATCAGCCT[G>A]GCCTCGGGCCAGACGGGCTGGTGAGAGGGGGTCCCAAGCACTATGCTCCTGCCCACCGGC-3'

ClinVar aggregate classification (germline): Benign (1 of 4 stars; one submission).

Conditions:
Progressive sclerosing poliodystrophy (MTDPS4A). Also called: Alpers-Huttenlocher Syndrome (AHS); Alpers Syndrome; ALPERS PROGRESSIVE INFANTILE POLIODYSTROPHY; Mitochondrial DNA depletion syndrome 4A (Alpers type); ALPERS DIFFUSE DEGENERATION OF CEREBRAL GRAY MATTER WITH HEPATIC CIRRHOSIS; Alpers-Huttenlocher Syndrome. Identifiers: Orphanet 726, MedGen C0205710, MONDO:0008758, OMIM 203700.

Allele frequency attached by ClinVar (database versions not stated): gnomAD 0.00549 and 0.00542; ESP Exome Variant Server 0.00646; gnomAD exomes 0.00684 and 0.00508; 1000 Genomes Project 0.00399; 1000 Genomes Project 30x 0.00453; ExAC 0.00508; TOPMed 0.00546.
gnomAD v4.1: 10,789 of 1,613,988 alleles (0.67%); highest among the groups gnomAD compares: Non-Finnish European, 0.81%; 37 homozygotes.

Submission:

Wong Mito Lab, Molecular and Human Genetics, Baylor College of Medicine
Classification: Benign for Progressive sclerosing poliodystrophy. Last evaluated: 2018-10-01. Review status: criteria provided, single submitter. Criteria: ACMG Guidelines, 2015. Collection method: clinical testing. Allele origin: germline.
Comment: The NM_002693.2:c.1024-38C>T (NP_002684.1:p.=) [GRCH38: NC_000015.10:g.89328869G>A] variant in POLG gene is interpretated to be a Benign based on ACMG guidelines (PMID: 25741868). This variant meets the following evidence codes reported in the ACMG-guideline. BS1:The minor allele frequency of this allele is high for Mitochondrial DNA depletion syndrome 4A (Alpers type). BS2:Observation of the variant in controls is inconsistent with penetrance of Mitochondrial DNA depletion syndrome 4A (Alpers type). BP4:Computational evidence/predictors indicate no impact on the POLG structure, function, or protein-protein interaction. BP6:Reputable source(s) without shared data suggest the variant is benign. Based on the evidence criteria codes applied, the variant is suggested to be Benign.